The following is an entry in ClinVar:

ClinVar aggregate classification (germline): Likely benign (3 of 4 stars; one submission).

Conditions:
Breast-ovarian cancer, familial, susceptibility to, 2 (BROVCA2). Also called: BRCA2 Hereditary Breast and Ovarian Cancer. Identifiers: Orphanet 145, MedGen C2675520, MONDO:0012933, OMIM 612555. Disease mechanism: loss of function.

Allele frequency attached by ClinVar (database versions not stated): gnomAD exomes below 0.00001; ExAC 0.00001.
gnomAD v4.1: 1 of 1,596,150 alleles (0.000063%); highest among the groups gnomAD compares: South Asian, 0.0012%; no homozygotes.

Submission:

Evidence-based Network for the Interpretation of Germline Mutant Alleles (ENIGMA)
Classification: Likely benign for Breast-ovarian cancer, familial, susceptibility to, 2. Last evaluated: 2017-06-29. Review status: reviewed by expert panel. Criteria: ENIGMA BRCA1/2 Classification Criteria (2017-06-29). Collection method: curation. Allele origin: germline.
Comment: Synonymous substitution variant, with low bioinformatic likelihood to result in a splicing aberration (Splicing prior probability 0.02).

NM_000059.4(BRCA2):c.1551T>C (p.Asn517=)

Gene: BRCA2 (BRCA2 DNA repair associated; plus strand). Cytogenetic location: 13q13.1.
Variant type: single nucleotide variant.
Coding change: c.1551T>C on transcript NM_000059.4 (MANE Select); coding-DNA position 1551, T replaced by C.
Protein change: p.Asn517=; no amino-acid change (asparagine 517 retained).
Molecular consequence: synonymous variant.
Genome position (GRCh38, 1-based): chr13:32,333,029, T>C. VCF-style: chr13-32333029-T-C. GRCh37 (hg19) VCF-style: chr13-32907166-T-C.
Identifiers: ClinVar variation 427531 (VCV000427531.3), dbSNP rs760647691, ClinGen allele CA6940525.